The following is an entry in ClinVar:

ClinVar aggregate classification (germline): Benign. Review status: criteria provided, multiple submitters, no conflicts (2 of 4 stars). 2 submissions from 2 submitters: Benign (2). Last evaluated 2018-06-14.

Allele frequency attached by ClinVar (database versions not stated): gnomAD exomes 0.15544; gnomAD 0.18660 and 0.19426; TOPMed 0.20102; 1000 Genomes Project 30x 0.32653; 1000 Genomes Project 0.32821.
gnomAD v4.1: 140,263 of 870,201 alleles (16%); highest among the groups gnomAD compares: South Asian, 43%; 9,829 homozygotes.

Submissions (2):

GeneDx
Classification: Benign. Last evaluated: 2018-06-14. Review status: criteria provided, single submitter. Criteria: GeneDx Variant Classification (06012015). Collection method: clinical testing. Allele origin: germline. Affected: yes.
Comment: This variant is considered likely benign or benign based on one or more of the following criteria: it is a conservative change, it occurs at a poorly conserved position in the protein, it is predicted to be benign by multiple in silico algorithms, and/or has population frequency not consistent with disease.

Breakthrough Genomics
Classification: Benign. Review status: criteria provided, single submitter. Criteria: ACMG Guidelines, 2015. Collection method: not provided. Allele origin: germline. Inheritance: X-linked inheritance. Affected: yes.

NM_005032.7(PLS3):c.892-215C>T

Gene: PLS3 (plastin 3; plus strand). Cytogenetic location: Xq23.
Variant type: single nucleotide variant.
Coding change: c.892-215C>T on transcript NM_005032.7 (MANE Select); 215 bases into the intron before coding-DNA position 892, C replaced by T.
Molecular consequence: intron variant.
Genome position (GRCh38, 1-based): chrX:115,640,193, C>T. VCF-style: chrX-115640193-C-T. GRCh37 (hg19) VCF-style: chrX-114874505-C-T.
Other names: c.852+57C>T (NM_001282337.2); c.757-215C>T (NM_001282338.2); c.892-215C>T (NM_001136025.5); c.811-215C>T (NM_001172335.3).
Identifiers: ClinVar variation 674932 (VCV000674932.2), dbSNP rs5987764, ClinGen allele CA334698437.
Genomic context (GRCh38, chrX:115,640,193, plus strand): 5'-GAAGGTACAGAACTGGTTATATGTTTATTAGCATTATTGTATTGATGACTTTAATAATTG[C>T]GAAGTCATGTCAAAATCCAGTTCATCCATATGCAAGACAGATATAAGGCAGATAGATGGA-3'